The following is an entry in ClinVar:

ClinVar aggregate classification (germline): Uncertain significance (1 of 4 stars; one submission).

Conditions:
Aortic aneurysm, familial thoracic 7 (AAT7). Also called: AORTIC DISSECTION, FAMILIAL, WITH OR WITHOUT AORTIC ANEURYSM. Identifiers: MedGen C3151077, MONDO:0013418, OMIM 613780.

gnomAD v4.1: 1 of 1,614,178 alleles (0.000062%); highest among the groups gnomAD compares: Non-Finnish European, 0.000085%; no homozygotes.

Submission:

Labcorp Genetics (formerly Invitae), Labcorp
Classification: Uncertain significance for Aortic aneurysm, familial thoracic 7. Last evaluated: 2018-01-08. Review status: criteria provided, single submitter. Criteria: Invitae Variant Classification Sherloc (09022015). Collection method: clinical testing. Allele origin: germline.
Comment: This variant is not present in population databases (ExAC no frequency). In summary, the available evidence is currently insufficient to determine the role of this variant in disease. Therefore, it has been classified as a Variant of Uncertain Significance. Algorithms developed to predict the effect of missense changes on protein structure and function do not agree on the potential impact of this missense change (SIFT: "Deleterious"; PolyPhen-2: "Benign"; Align-GVGD: "Class C65"). This variant has not been reported in the literature in individuals with MYLK-related disease. This sequence change replaces cysteine with tryptophan at codon 695 of the MYLK protein (p.Cys695Trp). The cysteine residue is highly conserved and there is a large physicochemical difference between cysteine and tryptophan.

NM_053025.4(MYLK):c.2085C>G (p.Cys695Trp)

Gene: MYLK (myosin light chain kinase; minus strand). Cytogenetic location: 3q21.1.
Variant type: single nucleotide variant.
Coding change: c.2085C>G on transcript NM_053025.4 (MANE Select); coding-DNA position 2085, C replaced by G.
Protein change: p.Cys695Trp; replaces cysteine 695 with tryptophan.
Molecular consequence: missense variant.
Genome position (GRCh38, 1-based): chr3:123,708,753, G>C on the plus strand (C>G on the coding strand, the complement: MYLK is on the minus strand). VCF-style: chr3-123708753-G-C. GRCh37 (hg19) VCF-style: chr3-123427600-G-C.
Other names: c.1557C>G, p.Cys519Trp (NM_001321309.2); c.1878C>G, p.Cys626Trp (NM_053026.4, NM_053028.4); c.2085C>G, p.Cys695Trp (NM_053027.4); short protein forms C695W, C626W, C519W.
Identifiers: ClinVar variation 539087 (VCV000539087.8), dbSNP rs780052122, ClinGen allele CA354234303.